The following is an entry in ClinVar:

NM_005732.4(RAD50):c.633A>C (p.Lys211Asn)

Gene: RAD50 (RAD50 double strand break repair protein; plus strand). Cytogenetic location: 5q31.1.
Variant type: single nucleotide variant.
Coding change: c.633A>C on transcript NM_005732.4 (MANE Select); coding-DNA position 633, A replaced by C.
Protein change: p.Lys211Asn; replaces lysine 211 with asparagine.
Molecular consequence: missense variant.
Genome position (GRCh38, 1-based): chr5:132,579,943, A>C. VCF-style: chr5-132579943-A-C. GRCh37 (hg19) VCF-style: chr5-131915635-A-C.
Other names: short protein forms K211N.
Identifiers: ClinVar variation 2451406 (VCV002451406.3), dbSNP rs1554097809, ClinGen allele CA360936038.
Genomic context (GRCh38, chr5:132,579,943, plus strand): 5'-ACTTCGGCAGGTACGTCAGACACAAGGTCAGAAAGTAAAAGAATATCAAATGGAACTAAA[A>C]TATCTGAAGCAATATAAGGAAAAAGCTTGTGAGATTCGTGATCAGATTACAAGTAAGGAA-3'
Protein context (NP_005723.2, residues 201-221): QKVKEYQMEL[Lys211Asn]YLKQYKEKAC

ClinVar aggregate classification (germline): Uncertain significance (1 of 4 stars; one submission).

Conditions:
Hereditary cancer-predisposing syndrome. Also called: Neoplastic Syndromes, Hereditary; Tumor predisposition; Hereditary neoplastic syndrome; Hereditary Cancer Syndrome. Identifiers: Orphanet 140162, MedGen C0027672, MeSH D009386, MONDO:0015356.

Submission:

Ambry Genetics
Classification: Uncertain significance for Hereditary cancer-predisposing syndrome. Last evaluated: 2025-02-21. Review status: criteria provided, single submitter. Criteria: Ambry Variant Classification Scheme 2023. Collection method: clinical testing. Allele origin: germline.
Comment: The p.K211N variant (also known as c.633A>C), located in coding exon 5 of the RAD50 gene, results from an A to C substitution at nucleotide position 633. The lysine at codon 211 is replaced by asparagine, an amino acid with similar properties. This amino acid position is conserved. In addition, this alteration is predicted to be tolerated by in silico analysis. Since supporting evidence is limited at this time, the clinical significance of this alteration remains unclear.